The following is an entry in ClinVar:

NM_002225.5(IVD):c.*2285C>G

Gene: IVD (isovaleryl-CoA dehydrogenase; plus strand). Cytogenetic location: 15q15.1.
Variant type: single nucleotide variant.
Coding change: c.*2285C>G on transcript NM_002225.5 (MANE Select); 2285 bases downstream of the stop codon, C replaced by G.
Molecular consequence: 3 prime UTR variant. On other transcripts: intron variant (3).
Genome position (GRCh38, 1-based): chr15:40,420,548, C>G. VCF-style: chr15-40420548-C-G. GRCh37 (hg19) VCF-style: chr15-40712747-C-G.
Other names: c.*2285C>G (NM_001159508.3, NM_001354597.3, NM_001354599.3); c.1226-3587C>G (NM_001354600.3); c.1139-3587C>G (NM_001354598.3); c.1138+4186C>G (NM_001354601.3).
Identifiers: ClinVar variation 315829 (VCV000315829.7), dbSNP rs114657778, ClinGen allele CA10635959.

ClinVar aggregate classification (germline): Benign/Likely benign. Review status: criteria provided, multiple submitters, no conflicts (2 of 4 stars). 3 submissions from 3 submitters: Benign (2); Likely benign (1). Last evaluated 2021-10-08.

Conditions:
Isovaleryl-CoA dehydrogenase deficiency (IVA). Also called: ISOVALERIC ACID CoA DEHYDROGENASE DEFICIENCY; IVD DEFICIENCY; Isovaleric acidemia; Classic Isovaleric Acidemia. Identifiers: Orphanet 33, MedGen C0268575, MONDO:0009475, OMIM 243500.

Allele frequency attached by ClinVar (database versions not stated): gnomAD exomes 0.00092; 1000 Genomes Project 0.01258; gnomAD 0.01341 and 0.01453; 1000 Genomes Project 30x 0.01390; TOPMed 0.01540.
gnomAD v4.1: 2,817 of 987,576 alleles (0.29%); highest among the groups gnomAD compares: African/African-American, 4.6%; 64 homozygotes.

Submissions (3):

Fulgent Genetics
Classification: Likely benign for Isovaleryl-CoA dehydrogenase deficiency. Last evaluated: 2021-10-08. Review status: criteria provided, single submitter. Criteria: ACMG Guidelines, 2015. Collection method: clinical testing. Allele origin: unknown.

Illumina Laboratory Services, Illumina
Classification: Benign for Isovaleryl-CoA dehydrogenase deficiency. Last evaluated: 2018-01-13. Review status: criteria provided, single submitter. Criteria: ICSL Variant Classification Criteria 13 December 2019. Collection method: clinical testing. Allele origin: germline.
Comment: This variant was observed in the ICSL laboratory as part of a predisposition screen in an ostensibly healthy population. It had not been previously curated by ICSL or reported in the Human Gene Mutation Database (HGMD: prior to June 1st, 2018), and was therefore a candidate for classification through an automated scoring system. Utilizing variant allele frequency, disease prevalence and penetrance estimates, and inheritance mode, an automated score was calculated to assess if this variant is too frequent to cause the disease. Based on the score and internal cut-off values, a variant classified as benign is not then subjected to further curation. The score for this variant resulted in a classification of benign for this disease.

Breakthrough Genomics
Classification: Benign. Review status: criteria provided, single submitter. Criteria: ACMG Guidelines, 2015. Collection method: not provided. Allele origin: germline. Inheritance: Autosomal recessive inheritance. Affected: yes.